The following is an entry in ClinVar:

ClinVar aggregate classification (germline): Conflicting classifications of pathogenicity. Review status: criteria provided, conflicting classifications (1 of 4 stars). 2 submissions from 2 submitters: Likely pathogenic (1); Uncertain significance (1). Last evaluated 2023-03-13.

Conditions:
Maple syrup urine disease type 1A (MSUD1A). Also called: MSUD type 1A. Identifiers: MedGen C1855369, MONDO:0023691, OMIM 248600.
Maple syrup urine disease (MSUD). Identifiers: Orphanet 511, MedGen C0024776, MeSH D008375, MONDO:0009563. Disease mechanism: loss of function.

Submissions (2):

Department of Pathology and Laboratory Medicine, Sinai Health System
Classification: Uncertain significance for Maple syrup urine disease type 1A. Last evaluated: 2023-03-13. Review status: criteria provided, single submitter. Criteria: ACMG Guidelines, 2015. Collection method: research. Allele origin: germline.

Labcorp Genetics (formerly Invitae), Labcorp
Classification: Likely pathogenic for Maple syrup urine disease. Last evaluated: 2021-02-05. Review status: criteria provided, single submitter. Criteria: Invitae Variant Classification Sherloc (09022015). Collection method: clinical testing. Allele origin: germline.
Comment: In summary, the currently available evidence indicates that the variant is pathogenic, but additional data are needed to prove that conclusively. Therefore, this variant has been classified as Likely Pathogenic. This variant disrupts the p.Glu327 amino acid residue in BCKDHA. Other variant(s) that disrupt this residue have been determined to be pathogenic (PMID: 26257134, 11825067, 16786533). This suggests that this residue is clinically significant, and that variants that disrupt this residue are likely to be disease-causing. Advanced modeling of protein sequence and biophysical properties (such as structural, functional, and spatial information, amino acid conservation, physicochemical variation, residue mobility, and thermodynamic stability) performed at Invitae indicates that this missense variant is expected to disrupt BCKDHA protein function. This variant has not been reported in the literature in individuals with BCKDHA-related conditions. This variant is not present in population databases (ExAC no frequency). This sequence change replaces glutamic acid with aspartic acid at codon 327 of the BCKDHA protein (p.Glu327Asp). The glutamic acid residue is highly conserved and there is a small physicochemical difference between glutamic acid and aspartic acid.

Literature cited by the submitters: PubMed 26257134 (cited by Labcorp Genetics (formerly Invitae), Labcorp); PubMed 11825067 (cited by Labcorp Genetics (formerly Invitae), Labcorp); PubMed 16786533 (cited by Labcorp Genetics (formerly Invitae), Labcorp).

NM_000709.4(BCKDHA):c.981G>C (p.Glu327Asp)

Gene: BCKDHA (branched chain keto acid dehydrogenase E1 subunit alpha; plus strand). Cytogenetic location: 19q13.2.
Variant type: single nucleotide variant.
Coding change: c.981G>C on transcript NM_000709.4 (MANE Select); coding-DNA position 981, G replaced by C.
Protein change: p.Glu327Asp; replaces glutamic acid 327 with aspartic acid.
Molecular consequence: missense variant.
Genome position (GRCh38, 1-based): chr19:41,422,756, G>C. VCF-style: chr19-41422756-G-C. GRCh37 (hg19) VCF-style: chr19-41928661-G-C.
Other names: c.978G>C, p.Glu326Asp (NM_001164783.2); short protein forms E326D, E327D.
Identifiers: ClinVar variation 1511845 (VCV001511845.9), dbSNP rs2039382789, ClinGen allele CA406013517.
Genomic context (GRCh38, chr19:41,422,756, plus strand): 5'-CAACGCCACAAAGGAGGCCCGACGGCGGGCTGTGGCAGAGAACCAGCCCTTCCTCATCGA[G>C]GCCATGACCTACAGGTGCCTGCCGCTCCCCCCGTCAGCACCCCCACAGCACTGACAGCCA-3'
Protein context (NP_000700.1, residues 317-337): AVAENQPFLI[Glu327Asp]AMTYRIGHHS